The following is an entry in ClinVar:

ClinVar aggregate classification (germline): Uncertain significance (1 of 4 stars; one submission).

Allele frequency attached by ClinVar (database versions not stated): gnomAD 0.00001.

Submission:

Labcorp Genetics (formerly Invitae), Labcorp
Classification: Uncertain significance. Last evaluated: 2021-07-25. Review status: criteria provided, single submitter. Criteria: Invitae Variant Classification Sherloc (09022015). Collection method: clinical testing. Allele origin: germline.
Comment: This variant has not been reported in the literature in individuals affected with PNPT1-related conditions. In summary, the available evidence is currently insufficient to determine the role of this variant in disease. Therefore, it has been classified as a Variant of Uncertain Significance. Advanced modeling of protein sequence and biophysical properties (such as structural, functional, and spatial information, amino acid conservation, physicochemical variation, residue mobility, and thermodynamic stability) performed at Invitae indicates that this missense variant is not expected to disrupt PNPT1 protein function. This variant is not present in population databases (ExAC no frequency). This sequence change replaces alanine with threonine at codon 29 of the PNPT1 protein (p.Ala29Thr). The alanine residue is weakly conserved and there is a small physicochemical difference between alanine and threonine.

NM_033109.5(PNPT1):c.85G>A (p.Ala29Thr)

Genes: PNPT1 (polyribonucleotide nucleotidyltransferase 1; minus strand), LOC129933770 (ATAC-STARR-seq lymphoblastoid active region 15785; plus strand). Cytogenetic location: 2p16.1.
Variant type: single nucleotide variant.
Coding change: c.85G>A on transcript NM_033109.5 (MANE Select); coding-DNA position 85, G replaced by A.
Protein change: p.Ala29Thr; replaces alanine 29 with threonine.
Molecular consequence: missense variant.
Genome position (GRCh38, 1-based): chr2:55,693,739, C>T on the plus strand (G>A on the coding strand, the complement: PNPT1 is on the minus strand). VCF-style: chr2-55693739-C-T. GRCh37 (hg19) VCF-style: chr2-55920874-C-T.
Other names: short protein forms A29T.
Identifiers: ClinVar variation 1407217 (VCV001407217.8), dbSNP rs772397694, ClinGen allele CA346946271.